The following is an entry in ClinVar:

NM_024529.5(CDC73):c.1240C>G (p.Pro414Ala)

Gene: CDC73 (cell division cycle 73; plus strand). Cytogenetic location: 1q31.2.
Variant type: single nucleotide variant.
Coding change: c.1240C>G on transcript NM_024529.5 (MANE Select); coding-DNA position 1240, C replaced by G.
Protein change: p.Pro414Ala; replaces proline 414 with alanine.
Molecular consequence: missense variant.
Genome position (GRCh38, 1-based): chr1:193,233,078, C>G. VCF-style: chr1-193233078-C-G. GRCh37 (hg19) VCF-style: chr1-193202208-C-G.
Other names: short protein forms P414A.
Identifiers: ClinVar variation 2450582 (VCV002450582.2), dbSNP rs1297552782, ClinGen allele CA344077908.

ClinVar aggregate classification (germline): Uncertain significance (1 of 4 stars; one submission).

Conditions:
Hereditary cancer-predisposing syndrome. Also called: Neoplastic Syndromes, Hereditary; Tumor predisposition; Hereditary neoplastic syndrome; Hereditary Cancer Syndrome. Identifiers: Orphanet 140162, MedGen C0027672, MeSH D009386, MONDO:0015356.

Allele frequency attached by ClinVar (database versions not stated): TOPMed below 0.00001; gnomAD 0.00001.
gnomAD v4.1: 1 of 1,613,028 alleles (0.000062%); highest among the groups gnomAD compares: Admixed American, 0.0017%; no homozygotes.

Submission:

Ambry Genetics
Classification: Uncertain significance for Hereditary cancer-predisposing syndrome. Last evaluated: 2023-01-18. Review status: criteria provided, single submitter. Criteria: Ambry Variant Classification Scheme 2023. Collection method: clinical testing. Allele origin: germline.
Comment: The p.P414A variant (also known as c.1240C>G), located in coding exon 14 of the CDC73 gene, results from a C to G substitution at nucleotide position 1240. The proline at codon 414 is replaced by alanine, an amino acid with highly similar properties. This amino acid position is conserved. In addition, this alteration is predicted to be tolerated by in silico analysis. Since supporting evidence is limited at this time, the clinical significance of this alteration remains unclear.